The following is an entry in ClinVar:

NM_198578.4(LRRK2):c.1598T>A (p.Val533Asp)

Gene: LRRK2 (leucine rich repeat kinase 2; plus strand). Cytogenetic location: 12q12.
Variant type: single nucleotide variant.
Coding change: c.1598T>A on transcript NM_198578.4 (MANE Select); coding-DNA position 1598, T replaced by A.
Protein change: p.Val533Asp; replaces valine 533 with aspartic acid.
Molecular consequence: missense variant.
Genome position (GRCh38, 1-based): chr12:40,263,843, T>A. VCF-style: chr12-40263843-T-A. GRCh37 (hg19) VCF-style: chr12-40657645-T-A.
Other names: short protein forms V533D.
Identifiers: ClinVar variation 2453075 (VCV002453075.2), dbSNP rs767993998, ClinGen allele CA384398967.

ClinVar aggregate classification (germline): Uncertain significance (1 of 4 stars; one submission).

Conditions:
Inborn genetic diseases. Identifiers: MedGen C0950123, MeSH D030342.

Submission:

Ambry Genetics
Classification: Uncertain significance for Inborn genetic diseases. Last evaluated: 2023-01-01. Review status: criteria provided, single submitter. Criteria: Ambry Variant Classification Scheme 2023. Collection method: clinical testing. Allele origin: germline.
Comment: The p.V533D variant (also known as c.1598T>A), located in coding exon 14 of the LRRK2 gene, results from a T to A substitution at nucleotide position 1598. The valine at codon 533 is replaced by aspartic acid, an amino acid with highly dissimilar properties. This amino acid position is conserved. In addition, the in silico prediction for this alteration is inconclusive. Since supporting evidence is limited at this time, the clinical significance of this alteration remains unclear.